The following is an entry in ClinVar:

NM_000214.3(JAG1):c.672G>T (p.Trp224Cys)

Gene: JAG1 (jagged canonical Notch ligand 1; minus strand). Cytogenetic location: 20p12.2.
Variant type: single nucleotide variant.
Coding change: c.672G>T on transcript NM_000214.3 (MANE Select); coding-DNA position 672, G replaced by T.
Protein change: p.Trp224Cys; replaces tryptophan 224 with cysteine.
Molecular consequence: missense variant.
Genome position (GRCh38, 1-based): chr20:10,658,490, C>A on the plus strand (G>T on the coding strand, the complement: JAG1 is on the minus strand). VCF-style: chr20-10658490-C-A. GRCh37 (hg19) VCF-style: chr20-10639138-C-A.
Other names: c.672G>T (NM_000214.2); short protein forms W224C.
Identifiers: ClinVar variation 3573081 (VCV003573081.3).
Genomic context (GRCh38, chr20:10,658,490, plus strand): 5'-CAACAGGCACACGTGCACATGCACACACACACACATACCTCTGTTACATTCGGGGCCCAT[C>A]CAGCCTTCCATGCAAGTTTTGTTGCCATTCTGGTCACAGGCATAGTGTCCAAAGAAGTCA-3'
Protein context (NP_000205.1, residues 214-234): QNGNKTCMEG[Trp224Cys]MGPECNRAIC

ClinVar aggregate classification (germline): Pathogenic (1 of 4 stars; one submission).

Conditions:
JAG1-related disorder. Also called: JAG1-related disorders; JAG1-related condition.

Submissions (2):

PreventionGenetics, part of Exact Sciences
Classification: Pathogenic for JAG1-related condition. Last evaluated: 2026-05-01. Review status: criteria provided, single submitter. Criteria: ACMG Guidelines, 2015. Collection method: clinical testing. Allele origin: germline.
Comment: The JAG1 c.672G>T variant is predicted to result in the amino acid substitution p.Trp224Cys. This variant has been reported as a de novo finding in an individual with Alagille syndrome (Ropke et al 2003. PubMed ID: 12497640). Functional studies suggest this variant impacts protein function (Table S2, Gilbert et al. 2024 PMID:39043182). To our knowledge, this variant has not been reported in a large population database, indicating this variant is rare. Statistical evidence in gnomAD suggests this region of the JAG1 gene is intolerant of missense variation. This variant is interpreted as pathogenic.

Gilbert/Spinner Lab, Children's Hospital of Philadelphia
No classification provided (evidence only). Condition: Alagille syndrome. Review status: no classification provided. Collection method: research. Allele origin: not applicable. Functional consequence: functionally_abnormal. Not counted in ClinVar's aggregate classification.
ClinVar note: "not provided" was previously submitted as the classification for the variant. However, the classification appeared to be based only on an observation of functional data so it was converted to no classification on 2025-07-30.